The following is an entry in ClinVar:

ClinVar aggregate classification (germline): Benign. Review status: criteria provided, multiple submitters, no conflicts (2 of 4 stars). 2 submissions from 2 submitters: Benign (2). Last evaluated 2026-09-21.

Submissions (2):

Molecular Diagnostic Laboratory for Inherited Cardiovascular Disease, Montreal Heart Institute
Classification: Benign. Last evaluated: 2026-09-21. Review status: criteria provided, single submitter. Criteria: ACMG Guidelines, 2015. Collection method: clinical testing. Allele origin: germline. Affected: no.
Comment: BA1

GeneDx
Classification: Benign. Last evaluated: 2019-08-08. Review status: criteria provided, single submitter. Criteria: GeneDx Variant Classification Process June 2021. Collection method: clinical testing. Allele origin: germline. Affected: yes.

NM_001134363.3(RBM20):c.3317-28_3317-22del

Gene: RBM20 (RNA binding motif protein 20; plus strand). Cytogenetic location: 10q25.2.
Variant type: Deletion.
Coding change: c.3317-28_3317-22del on transcript NM_001134363.3 (MANE Select); 28 bases into the intron before coding-DNA position 3317 through 22 bases into the intron before coding-DNA position 3317, 7 bases deleted (TTTTTTT; older notation c.3317-28_3317-22delTTTTTTT).
Molecular consequence: intron variant.
Genome position (GRCh38, 1-based): chr10:110,823,452-110,823,458, TTTTTTT deleted; deleting any 7 consecutive bases within chr10:110,823,432-110,823,458 gives the same sequence; the c. name uses the placement nearest the transcript's 3' end. VCF-style (leftmost placement, unchanged base first): chr10-110823431-CTTTTTTT-C. GRCh37 (hg19) VCF-style: chr10-112583189-CTTTTTTT-C.
Other names: c.3317-28_3317-22del (NM_001134363.2).
Identifiers: ClinVar variation 1269933 (VCV001269933.2), dbSNP rs201149204, ClinGen allele CA595725490.
Genomic context (GRCh38, chr10:110,823,431, plus strand): 5'-ATTCCCAATCATACTATGCAGGCATAGAATTTCAGGGACTCTTTGAGGCATGTTGTATTT[CTTTTTTT>C]TTTTTTTTTTTTTTTTTTTTGCCTTGGTTCATGTTTTGCAGAAAACTCCAGGTACGTGGA-3'